The following is an entry in ClinVar:

NM_145691.4(ATPAF2):c.616+237T>G

Gene: ATPAF2 (ATP synthase mitochondrial F1 complex assembly factor 2; minus strand). Cytogenetic location: 17p11.2.
Variant type: single nucleotide variant.
Coding change: c.616+237T>G on transcript NM_145691.4 (MANE Select); 237 bases into the intron after coding-DNA position 616, T replaced by G.
Molecular consequence: intron variant.
Genome position (GRCh38, 1-based): chr17:18,021,508, A>C on the plus strand (T>G on the coding strand, the complement: ATPAF2 is on the minus strand). VCF-style: chr17-18021508-A-C. GRCh37 (hg19) VCF-style: chr17-17924822-A-C.
Identifiers: ClinVar variation 673656 (VCV000673656.1), dbSNP rs114036557, ClinGen allele CA14461942.

ClinVar aggregate classification (germline): Benign (1 of 4 stars; one submission).

Allele frequency attached by ClinVar (database versions not stated): gnomAD exomes 0.00559; gnomAD 0.02373 and 0.02490; TOPMed 0.02529; 1000 Genomes Project 0.03315; 1000 Genomes Project 30x 0.03482.

Submission:

GeneDx
Classification: Benign. Last evaluated: 2018-06-16. Review status: criteria provided, single submitter. Criteria: GeneDx Variant Classification (06012015). Collection method: clinical testing. Allele origin: germline. Affected: yes.
Comment: This variant is considered likely benign or benign based on one or more of the following criteria: it is a conservative change, it occurs at a poorly conserved position in the protein, it is predicted to be benign by multiple in silico algorithms, and/or has population frequency not consistent with disease.